The following is an entry in ClinVar:

NM_001184.4(ATR):c.3291del (p.Ala1098fs)

Gene: ATR (ATR checkpoint kinase; minus strand). Cytogenetic location: 3q23.
Variant type: Deletion.
Coding change: c.3291del on transcript NM_001184.4 (MANE Select); coding-DNA position 3291, one base deleted (T; older notation c.3291delT).
Protein change: p.Ala1098fs; shifts the reading frame from alanine 1098.
Molecular consequence: frameshift variant.
Genome position (GRCh38, 1-based): chr3:142,547,791, A deleted on the plus strand (T on the coding strand, the reverse complement: ATR is on the minus strand); the first of 2 consecutive A bases (chr3:142,547,791-142,547,792); deleting either gives the same sequence. VCF-style (leftmost placement, unchanged base first): chr3-142547790-CA-C. GRCh37 (hg19) VCF-style: chr3-142266632-CA-C.
Other names: c.3099del, p.Ala1034fs (NM_001354579.2); short protein forms A1034fs, A1098fs.
Identifiers: ClinVar variation 2073028 (VCV002073028.4), dbSNP rs2473356749, ClinGen allele CA2577925413.

ClinVar aggregate classification (germline): Pathogenic (1 of 4 stars; one submission).

Submission:

Labcorp Genetics (formerly Invitae), Labcorp
Classification: Pathogenic. Last evaluated: 2025-05-19. Review status: criteria provided, single submitter. Criteria: Invitae Variant Classification Sherloc (09022015). Collection method: clinical testing. Allele origin: germline.
Comment: This sequence change creates a premature translational stop signal (p.Ala1098Profs*21) in the ATR gene. It is expected to result in an absent or disrupted protein product. Loss-of-function variants in ATR are known to be pathogenic (PMID: 21228398, 23144622). This variant is not present in population databases (gnomAD no frequency). This variant has not been reported in the literature in individuals affected with ATR-related conditions. ClinVar contains an entry for this variant (Variation ID: 2073028). For these reasons, this variant has been classified as Pathogenic.

Literature cited by the submitters: PubMed 21228398; PubMed 23144622.